The following is an entry in ClinVar:

NM_005982.4(SIX1):c.-137C>T

Gene: SIX1 (SIX homeobox 1; minus strand). Cytogenetic location: 14q23.1.
Variant type: single nucleotide variant.
Coding change: c.-137C>T on transcript NM_005982.4 (MANE Select); 137 bases upstream of the start codon, C replaced by T.
Molecular consequence: 5 prime UTR variant.
Genome position (GRCh38, 1-based): chr14:60,649,326, G>A on the plus strand (C>T on the coding strand, the complement: SIX1 is on the minus strand). VCF-style: chr14-60649326-G-A. GRCh37 (hg19) VCF-style: chr14-61116044-G-A.
Identifiers: ClinVar variation 313470 (VCV000313470.6), dbSNP rs139621918, ClinGen allele CA10635010.

ClinVar aggregate classification (germline): Benign/Likely benign. Review status: criteria provided, multiple submitters, no conflicts (2 of 4 stars). 3 submissions from 2 submitters: Benign (1); Likely benign (2). Last evaluated 2018-01-13.

Conditions:
Branchiootic syndrome 3 (BOS3). Also called: BO SYNDROME 3. Identifiers: MedGen C1842124, MONDO:0012025, OMIM 608389.
Autosomal dominant nonsyndromic hearing loss 23. Identifiers: Orphanet 90635, MedGen C1854594, MONDO:0011519, OMIM 605192.

Allele frequency attached by ClinVar (database versions not stated): 1000 Genomes Project 0.00399; 1000 Genomes Project 30x 0.00422; TOPMed 0.00618; gnomAD 0.00627 and 0.00654.

Submissions (3):

Illumina Laboratory Services, Illumina
Classification: Benign for Branchiootic syndrome 3. Last evaluated: 2018-01-13. Review status: criteria provided, single submitter. Criteria: ICSL Variant Classification Criteria 13 December 2019. Collection method: clinical testing. Allele origin: germline.
Comment: This variant was observed in the ICSL laboratory as part of a predisposition screen in an ostensibly healthy population. It had not been previously curated by ICSL or reported in the Human Gene Mutation Database (HGMD: prior to June 1st, 2018), and was therefore a candidate for classification through an automated scoring system. Utilizing variant allele frequency, disease prevalence and penetrance estimates, and inheritance mode, an automated score was calculated to assess if this variant is too frequent to cause the disease. Based on the score and internal cut-off values, a variant classified as benign is not then subjected to further curation. The score for this variant resulted in a classification of benign for this disease.

Illumina Laboratory Services, Illumina
Classification: Likely benign for Autosomal dominant nonsyndromic hearing loss 23. Last evaluated: 2018-01-13. Review status: criteria provided, single submitter. Criteria: ICSL Variant Classification Criteria 13 December 2019. Collection method: clinical testing. Allele origin: germline.
Comment: This variant was observed in the ICSL laboratory as part of a predisposition screen in an ostensibly healthy population. It had not been previously curated by ICSL or reported in the Human Gene Mutation Database (HGMD: prior to June 1st, 2018), and was therefore a candidate for classification through an automated scoring system. Utilizing variant allele frequency, disease prevalence and penetrance estimates, and inheritance mode, an automated score was calculated to assess if this variant is too frequent to cause the disease. Based on the score and internal cut-off values, a variant classified as likely benign is not then subjected to further curation. The score for this variant resulted in a classification of likely benign for this disease.

Breakthrough Genomics
Classification: Likely benign. Review status: criteria provided, single submitter. Criteria: ACMG Guidelines, 2015. Collection method: not provided. Allele origin: germline. Inheritance: Autosomal dominant inheritance. Affected: yes.